The following is an entry in ClinVar:

ClinVar aggregate classification (germline): Uncertain significance (1 of 4 stars; one submission).

Conditions:
Cardiovascular phenotype. Identifiers: MedGen CN230736.
Hereditary cancer-predisposing syndrome. Also called: Hereditary Cancer Syndrome; Neoplastic Syndromes, Hereditary; Tumor predisposition; Hereditary neoplastic syndrome. Identifiers: Orphanet 140162, MedGen C0027672, MeSH D009386, MONDO:0015356.

Submission:

Ambry Genetics
Classification: Uncertain significance for Cardiovascular phenotype; Hereditary cancer-predisposing syndrome. Last evaluated: 2022-02-08. Review status: criteria provided, single submitter. Criteria: Ambry Variant Classification Scheme 2023. Collection method: clinical testing. Allele origin: germline.
Comment: The p.H1700L variant (also known as c.5099A>T), located in coding exon 36 of the NF1 gene, results from an A to T substitution at nucleotide position 5099. The histidine at codon 1700 is replaced by leucine, an amino acid with similar properties. This amino acid position is conserved. In addition, this alteration is predicted to be tolerated by in silico analysis. Since supporting evidence is limited at this time, the clinical significance of this alteration remains unclear.

NM_001042492.3(NF1):c.5162A>T (p.His1721Leu)

Gene: NF1 (neurofibromin 1; plus strand). Cytogenetic location: 17q11.2.
Variant type: single nucleotide variant.
Coding change: c.5162A>T on transcript NM_001042492.3 (MANE Select); coding-DNA position 5162, A replaced by T.
Protein change: p.His1721Leu; replaces histidine 1721 with leucine.
Molecular consequence: missense variant.
Genome position (GRCh38, 1-based): chr17:31,326,146, A>T. VCF-style: chr17-31326146-A-T. GRCh37 (hg19) VCF-style: chr17-29653164-A-T.
Other names: c.5099A>T, p.His1700Leu (NM_000267.4); short protein forms H1721L, H1700L.
Identifiers: ClinVar variation 1745308 (VCV001745308.2), dbSNP rs1597830164, ClinGen allele CA399007857.